The following is an entry in ClinVar:

ClinVar aggregate classification (germline): Uncertain significance (1 of 4 stars; one submission).

Conditions:
Dilated cardiomyopathy 1G (CMD1G). Identifiers: Orphanet 154, MedGen C1858763, MONDO:0011400, OMIM 604145.
Autosomal recessive limb-girdle muscular dystrophy type 2J (LGMDR10). Also called: MUSCULAR DYSTROPHY, LIMB-GIRDLE, AUTOSOMAL RECESSIVE 10; Limb-girdle muscular dystrophy, type 2J. Identifiers: Orphanet 140922, MedGen C1837342, MONDO:0012127, OMIM 608807.

Submission:

Labcorp Genetics (formerly Invitae), Labcorp
Classification: Uncertain significance for Dilated cardiomyopathy 1G; Autosomal recessive limb-girdle muscular dystrophy type 2J. Last evaluated: 2022-12-10. Review status: criteria provided, single submitter. Criteria: Invitae Variant Classification Sherloc (09022015). Collection method: clinical testing. Allele origin: germline.
Comment: This variant results in the deletion of part of exon 198 (c.38708-15_38723del) of the TTN gene. It is expected to disrupt RNA splicing and likely results in a truncated or disrupted TTN protein. This variant is not present in population databases (gnomAD no frequency). This variant has not been reported in the literature in individuals affected with TTN-related conditions. Algorithms developed to predict the effect of sequence changes on RNA splicing suggest that this variant may disrupt the consensus splice site. In summary, the available evidence is currently insufficient to determine the role of this variant in disease. Therefore, it has been classified as a Variant of Uncertain Significance. This variant is located in the I band of TTN (PMID: 25589632). Truncating variants in this region have been shown to be highly prevalent in the general population and unaffected individuals (PMID: 26701604, 22335739). However, truncating variants in this region have also been reported in individuals affected with autosomal recessive centronuclear myopathy (PMID: 23975875).

Literature cited by the submitters: PubMed 25589632; PubMed 26701604; PubMed 22335739; PubMed 23975875.

NM_001267550.2(TTN):c.38708-15_38723del

Gene: TTN (titin; minus strand). Cytogenetic location: 2q31.2.
Variant type: Deletion.
Coding change: c.38708-15_38723del on transcript NM_001267550.2 (MANE Select); 15 bases into the intron before coding-DNA position 38708 through coding-DNA position 38723, 31 bases deleted.
Molecular consequence: splice acceptor variant. On other transcripts: intron variant (5).
Genome position (GRCh38, 1-based): chr2:178,653,306-178,653,336, 31 bases deleted; deleting any 31 consecutive bases within chr2:178,653,306-178,653,337 gives the same sequence; the c. name uses the placement nearest the transcript's 3' end. GRCh37 (hg19): chr2:179,518,034-179,518,064.
Other names: c.13283-11019_13283-10989del (NM_003319.4); c.13859-11019_13859-10989del (NM_133437.4); c.13658-11019_13658-10989del (NM_133432.3); c.31742-795_31742-765del (NM_133378.4); c.34523-795_34523-765del (NM_001256850.1).
Identifiers: ClinVar variation 2942190 (VCV002942190.3), dbSNP rs2472498418, ClinGen allele CA2740096191.